The following is an entry in ClinVar:

ClinVar aggregate classification (germline): Uncertain significance (1 of 4 stars; one submission).

Conditions:
Hereditary nonpolyposis colorectal neoplasms. Identifiers: MedGen C0009405, MeSH D003123.

Submission:

Labcorp Genetics (formerly Invitae), Labcorp
Classification: Uncertain significance for Hereditary nonpolyposis colorectal neoplasms. Last evaluated: 2019-02-21. Review status: criteria provided, single submitter. Criteria: Invitae Variant Classification Sherloc (09022015). Collection method: clinical testing. Allele origin: germline.
Comment: In summary, the available evidence is currently insufficient to determine the role of this variant in disease. Therefore, it has been classified as a Variant of Uncertain Significance. Algorithms developed to predict the effect of missense changes on protein structure and function (SIFT, PolyPhen-2, Align-GVGD) all suggest that this variant is likely to be disruptive, but these predictions have not been confirmed by published functional studies and their clinical significance is uncertain. This variant has not been reported in the literature in individuals with MSH6-related conditions. This variant is not present in population databases (ExAC no frequency). This sequence change replaces threonine with asparagine at codon 407 of the MSH6 protein (p.Thr407Asn). The threonine residue is highly conserved and there is a small physicochemical difference between threonine and asparagine.

NM_000179.3(MSH6):c.1220C>A (p.Thr407Asn)

Gene: MSH6 (mutS homolog 6; plus strand). Cytogenetic location: 2p16.3.
Variant type: single nucleotide variant.
Coding change: c.1220C>A on transcript NM_000179.3 (MANE Select); coding-DNA position 1220, C replaced by A.
Protein change: p.Thr407Asn; replaces threonine 407 with asparagine.
Molecular consequence: missense variant.
Genome position (GRCh38, 1-based): chr2:47,799,203, C>A. VCF-style: chr2-47799203-C-A. GRCh37 (hg19) VCF-style: chr2-48026342-C-A.
Other names: c.830C>A, p.Thr277Asn (NM_001281492.2); c.314C>A, p.Thr105Asn (NM_001281493.2, NM_001281494.2); short protein forms T105N, T407N, T277N.
Identifiers: ClinVar variation 862276 (VCV000862276.10), dbSNP rs1114167754, ClinGen allele CA346743562.